The following is an entry in ClinVar:

NM_001009944.3(PKD1):c.10871C>T (p.Pro3624Leu)

Genes: PKD1 (polycystin 1, transient receptor potential channel interacting; minus strand), PKD1-AS1 (PKD1 antisense RNA 1; plus strand). Cytogenetic location: 16p13.3.
Variant type: single nucleotide variant.
Coding change: c.10871C>T on transcript NM_001009944.3 (MANE Select); coding-DNA position 10871, C replaced by T.
Protein change: p.Pro3624Leu; replaces proline 3624 with leucine.
Molecular consequence: missense variant.
Genome position (GRCh38, 1-based): chr16:2,093,689, G>A on the plus strand (C>T on the coding strand, the complement: PKD1 is on the minus strand). VCF-style: chr16-2093689-G-A. GRCh37 (hg19) VCF-style: chr16-2143690-G-A.
Other names: c.10868C>T, p.Pro3623Leu (NM_000296.4); short protein forms P3623L, P3624L.
Identifiers: ClinVar variation 2632563 (VCV002632563.2), dbSNP rs764059379, ClinGen allele CA7829399.
Genomic context (GRCh38, chr16:2,093,689, plus strand): 5'-GGCACACGTGCGCTCACAGGCGTCACAGCCGGGCTCTCTACCAGGGTGTCATCTTCATCC[G>A]GGTGCAGCCGCTTGGCCACCAGTGAGAAGTACAGGGCTTCCAGCAAGACCTGGGGAGGGG-3'
Protein context (NP_001009944.3, residues 3614-3634): YFSLVAKRLH[Pro3624Leu]DEDDTLVESP

ClinVar aggregate classification (germline): Uncertain significance. Review status: criteria provided, multiple submitters, no conflicts (2 of 4 stars). 2 submissions from 2 submitters: Uncertain significance (2). Last evaluated 2024-03-14.

Conditions:
PKD1-related disorder. Also called: PKD1-related condition.
Polycystic kidney disease, adult type (PKD1). Also called: POLYCYSTIC KIDNEY DISEASE 1 WITH OR WITHOUT POLYCYSTIC LIVER DISEASE; Polycystic Kidney Disease 1, Autosomal Dominant; Polycystic kidney disease 1; Polycystic kidney disease 1, severe; Polycystic Kidney, Autosomal Dominant; POLYCYSTIC KIDNEY DISEASE, ADULT, TYPE I. Identifiers: MedGen C3149841, MONDO:0008263, OMIM 173900.

Allele frequency attached by ClinVar (database versions not stated): TOPMed 0.00001; ExAC 0.00006.
gnomAD v4.1: 14 of 1,602,454 alleles (0.00087%); highest among the groups gnomAD compares: Middle Eastern, 0.017%; no homozygotes.

Submissions (2):

Fulgent Genetics
Classification: Uncertain significance for Polycystic kidney disease, adult type. Last evaluated: 2024-03-14. Review status: criteria provided, single submitter. Criteria: ACMG Guidelines, 2015. Collection method: clinical testing. Allele origin: germline.

PreventionGenetics, part of Exact Sciences
Classification: Uncertain significance for PKD1-related condition. Last evaluated: 2023-05-19. Review status: criteria provided, single submitter. Criteria: ACMG Guidelines, 2015. Collection method: clinical testing. Allele origin: germline.
Comment: The PKD1 c.10871C>T variant is predicted to result in the amino acid substitution p.Pro3624Leu. To our knowledge, this variant has not been reported in the literature. This variant is reported in 0.0090% of alleles in individuals of Latino descent in gnomAD. At this time, the clinical significance of this variant is uncertain due to the absence of conclusive functional and genetic evidence.